The following is an entry in ClinVar:

NM_014679.5(CEP57):c.783A>C (p.Lys261Asn)

Gene: CEP57 (centrosomal protein 57; plus strand). Cytogenetic location: 11q21.
Variant type: single nucleotide variant.
Coding change: c.783A>C on transcript NM_014679.5 (MANE Select); coding-DNA position 783, A replaced by C.
Protein change: p.Lys261Asn; replaces lysine 261 with asparagine.
Molecular consequence: missense variant. On other transcripts: intron variant (5).
Genome position (GRCh38, 1-based): chr11:95,821,954, A>C. VCF-style: chr11-95821954-A-C. GRCh37 (hg19) VCF-style: chr11-95555118-A-C.
Other names: c.756A>C, p.Lys252Asn (NM_001243776.2); c.783A>C, p.Lys261Asn (NM_001243777.2); c.702A>C, p.Lys234Asn (NM_001363604.2, NM_001440869.1, NM_001440870.1); c.666A>C, p.Lys222Asn (NM_001440872.1, NM_001440876.1); c.603A>C, p.Lys201Asn (NM_001440873.1); c.585A>C, p.Lys195Asn (NM_001440877.1, NM_001440878.1); c.522A>C, p.Lys174Asn (NM_001440880.1); c.486A>C, p.Lys162Asn (NM_001440881.1); and 5 more; short protein forms K162N, K174N, K195N, K201N, K222N, K234N, K252N, K261N.
Identifiers: ClinVar variation 4868779 (VCV004868779.1).

ClinVar aggregate classification (germline): Uncertain significance (1 of 4 stars; one submission).

Conditions:
Inborn genetic diseases. Identifiers: MedGen C0950123, MeSH D030342.

Submission:

Ambry Genetics
Classification: Uncertain significance for Inborn genetic diseases. Last evaluated: 2026-05-27. Review status: criteria provided, single submitter. Criteria: Ambry Variant Classification Scheme 2023. Collection method: clinical testing. Allele origin: germline.
Comment: The p.K261N variant (also known as c.783A>C), located in coding exon 7 of the CEP57 gene, results from an A to C substitution at nucleotide position 783. The lysine at codon 261 is replaced by asparagine, an amino acid with similar properties. This amino acid position is conserved. In addition, this alteration is predicted to be tolerated by in silico analysis. Based on the available evidence, the clinical significance of this variant remains unclear.